The following is an entry in ClinVar:

NM_006914.4(RORB):c.631G>T (p.Glu211Ter)

Gene: RORB (RAR related orphan receptor B; plus strand). Cytogenetic location: 9q21.13.
Variant type: single nucleotide variant.
Coding change: c.631G>T on transcript NM_006914.4 (MANE Select); coding-DNA position 631, G replaced by T.
Protein change: p.Glu211Ter; replaces glutamic acid 211 with a stop codon.
Molecular consequence: nonsense.
Genome position (GRCh38, 1-based): chr9:74,642,809, G>T. VCF-style: chr9-74642809-G-T. GRCh37 (hg19) VCF-style: chr9-77257725-G-T.
Other names: c.664G>T, p.Glu222Ter (NM_001365023.1); short protein forms E211*, E222*.
Identifiers: ClinVar variation 1413758 (VCV001413758.6), dbSNP rs761279421, ClinGen allele CA373770283.

ClinVar aggregate classification (germline): Pathogenic (1 of 4 stars; one submission).

Submission:

Labcorp Genetics (formerly Invitae), Labcorp
Classification: Pathogenic. Last evaluated: 2021-08-13. Review status: criteria provided, single submitter. Criteria: Invitae Variant Classification Sherloc (09022015). Collection method: clinical testing. Allele origin: germline.
Comment: This sequence change creates a premature translational stop signal (p.Glu211*) in the RORB gene. It is expected to result in an absent or disrupted protein product. Loss-of-function variants in RORB are known to be pathogenic (PMID: 27352968). This variant is not present in population databases (ExAC no frequency). This variant has not been reported in the literature in individuals affected with RORB-related conditions. For these reasons, this variant has been classified as Pathogenic.

Literature cited by the submitters: PubMed 27352968.